The following is an entry in ClinVar:

ClinVar aggregate classification (germline): Uncertain significance (1 of 4 stars; one submission).

gnomAD v4.1: 3 of 1,612,420 alleles (0.00019%); highest among the groups gnomAD compares: Non-Finnish European, 0.00025%; no homozygotes.

Submission:

Labcorp Genetics (formerly Invitae), Labcorp
Classification: Uncertain significance. Last evaluated: 2024-06-08. Review status: criteria provided, single submitter. Criteria: Invitae Variant Classification Sherloc (09022015). Collection method: clinical testing. Allele origin: germline.
Comment: This sequence change replaces serine, which is neutral and polar, with phenylalanine, which is neutral and non-polar, at codon 31 of the NAF1 protein (p.Ser31Phe). This variant is present in population databases (rs759296600, gnomAD 0.0009%). This variant has not been reported in the literature in individuals affected with NAF1-related conditions. An algorithm developed to predict the effect of missense changes on protein structure and function (PolyPhen-2) suggests that this variant is likely to be tolerated. In summary, the available evidence is currently insufficient to determine the role of this variant in disease. Therefore, it has been classified as a Variant of Uncertain Significance.

NM_138386.3(NAF1):c.92C>T (p.Ser31Phe)

Gene: NAF1 (nuclear assembly factor 1 ribonucleoprotein; minus strand). Cytogenetic location: 4q32.2.
Variant type: single nucleotide variant.
Coding change: c.92C>T on transcript NM_138386.3 (MANE Select); coding-DNA position 92, C replaced by T.
Protein change: p.Ser31Phe; replaces serine 31 with phenylalanine.
Molecular consequence: missense variant.
Genome position (GRCh38, 1-based): chr4:163,166,636, G>A on the plus strand (C>T on the coding strand, the complement: NAF1 is on the minus strand). VCF-style: chr4-163166636-G-A. GRCh37 (hg19) VCF-style: chr4-164087788-G-A.
Other names: c.92C>T, p.Ser31Phe (NM_001128931.2); short protein forms S31F.
Identifiers: ClinVar variation 3619662 (VCV003619662.2).